The following is an entry in ClinVar:

NM_000023.4(SGCA):c.246C>A (p.Ser82Arg)

Gene: SGCA (sarcoglycan alpha; plus strand). Cytogenetic location: 17q21.33.
Variant type: single nucleotide variant.
Coding change: c.246C>A on transcript NM_000023.4 (MANE Select); coding-DNA position 246, C replaced by A.
Protein change: p.Ser82Arg; replaces serine 82 with arginine.
Molecular consequence: missense variant. On other transcripts: non-coding transcript variant (1).
Genome position (GRCh38, 1-based): chr17:50,167,670, C>A. VCF-style: chr17-50167670-C-A. GRCh37 (hg19) VCF-style: chr17-48245031-C-A.
Other names: NM_000023.4(SGCA):c.246C>A; c.246C>A, p.Ser82Arg (NM_001135697.3); c.246C>A (NM_000023.2); short protein forms S82R.
Identifiers: ClinVar variation 813953 (VCV000813953.33), dbSNP rs1598265282, ClinGen allele CA400177611.
Genomic context (GRCh38, chr17:50,167,670, plus strand): 5'-CCACGCCCACCTCCAGGGACACCCAGACCTGCCCCGGTGGCTCCGCTACACCCAGCGCAG[C>A]CCCCACCACCCTGGCTTCCTCTACGGCTCTGCCACCCCAGAAGATCGTGGGCTCCAGGTC-3'
Protein context (NP_000014.1, residues 72-92): LPRWLRYTQR[Ser82Arg]PHHPGFLYGS

ClinVar aggregate classification (germline): Likely pathogenic. Review status: reviewed by expert panel (3 of 4 stars). 8 submissions from 7 submitters: Likely pathogenic (1). 7 of the submissions do not count toward it. Last evaluated 2026-04-29.

Conditions:
Autosomal recessive limb-girdle muscular dystrophy. Identifiers: Orphanet 102015, MedGen C2931907, MONDO:0015152.
Autosomal recessive limb-girdle muscular dystrophy type 2D (LGMDR3). Also called: DUCHENNE-LIKE AUTOSOMAL RECESSIVE MUSCULAR DYSTROPHY, TYPE 2; ADHALINOPATHY, PRIMARY; MUSCULAR DYSTROPHY, LIMB-GIRDLE, AUTOSOMAL RECESSIVE 3. Identifiers: Orphanet 62, MedGen C2936332, MONDO:0011968, OMIM 608099. Disease mechanism: Affects gamma-sarcoglycan and also disrupts the integrity of the entire sarcoglycan complex..
Abnormality of the musculature. Identifiers: MedGen C4021745, HP:0003011.

Submissions (8):

ClinGen Limb Girdle Muscular Dystrophy Variant Curation Expert Panel, ClinGen
Classification: Likely pathogenic for Autosomal recessive limb-girdle muscular dystrophy. Last evaluated: 2026-04-29. Review status: reviewed by expert panel. Criteria: ClinGen LGMD VCEP ACMG Specifications SGCA V2.0.0. Collection method: curation. Allele origin: germline. Inheritance: Autosomal recessive inheritance.
Comment: The NM_000023.4: c.246C>A variant in SGCA is a missense variant predicted to cause substitution of serine by arginine at amino acid 82, p.(Ser82Arg). This variant has been detected in at least four homozygous individuals with limb-girdle muscular dystrophy of Iranian ancestry (1 pt, ClinVar: SCV001164458.1; PMID: 39678382, 38374194, 32528171, 41315541) (PM3). At least one patient with this variant displayed progressive limb girdle muscle weakness (PP4; PMID: 32528171, 41315541). In vitro assay in a heterologous cell system has demonstrated that this variant disrupts membrane localization of the sarcoglycan complex (PS3_Moderate, Washington University internal data). This variant is absent from gnomAD v4.1.1 (PM2_Supporting). The computational predictor REVEL gives a score of 0.504, which is below the threshold of 0.7 (PP3 not met). In summary, this variant meets the criteria to be classified as Likely Pathogenic for autosomal recessive limb girdle muscular dystrophy based on the ACMG/AMP criteria applied, as specified by the ClinGen LGMD VCEP (LGMD VCEP specifications version 2.0.0; 04/29/2026): PM3, PP4, PS3_Moderate, PM2_Supporting.

Labcorp Genetics (formerly Invitae), Labcorp
Classification: Likely pathogenic for Autosomal recessive limb-girdle muscular dystrophy type 2D. Last evaluated: 2025-12-09. Review status: criteria provided, single submitter. Criteria: Invitae Variant Classification Sherloc (09022015). Collection method: clinical testing. Allele origin: germline. Not counted in ClinVar's aggregate classification.
Comment: This sequence change replaces serine, which is neutral and polar, with arginine, which is basic and polar, at codon 82 of the SGCA protein (p.Ser82Arg). This variant is not present in population databases (gnomAD no frequency). This missense change has been observed in individual(s) with clinical features of SGCA-related conditions (PMID: 38374194; internal data). In at least one individual the data is consistent with being in trans (on the opposite chromosome) from a pathogenic variant. ClinVar contains an entry for this variant (Variation ID: 813953). Invitae Evidence Modeling of protein sequence and biophysical properties (such as structural, functional, and spatial information, amino acid conservation, physicochemical variation, residue mobility, and thermodynamic stability) indicates that this missense variant is expected to disrupt SGCA protein function with a positive predictive value of 95%. In summary, the currently available evidence indicates that the variant is pathogenic, but additional data are needed to prove that conclusively. Therefore, this variant has been classified as Likely Pathogenic.

Women's Health and Genetics/Laboratory Corporation of America, LabCorp
Classification: Uncertain significance. Last evaluated: 2025-07-31. Review status: criteria provided, single submitter. Criteria: LabCorp Variant Classification Summary - May 2015. Collection method: clinical testing. Allele origin: germline. Not counted in ClinVar's aggregate classification.
Comment: Variant summary: SGCA c.246C>A (p.Ser82Arg) results in a non-conservative amino acid change in the encoded protein sequence. Algorithms developed to predict the effect of missense changes on protein structure and function all suggest that this variant is likely to be disruptive. The variant was absent in 249874 control chromosomes. c.246C>A has been reported in the literature in at least two individuals with clinical features of Limb-Girdle Muscular Dystrophy, Autosomal Recessive (Abolhassani_2024, Bevilacqua_2024, internal data). These data indicate that the variant may be associated with disease. To our knowledge, no experimental evidence demonstrating an impact on protein function has been reported. The following publications have been ascertained in the context of this evaluation (PMID: 38374194, 39678382). ClinVar contains an entry for this variant (Variation ID: 813953). Based on the evidence outlined above, the variant was classified as VUS-possibly pathogenic.

Revvity Omics, Revvity
Classification: Uncertain significance for Autosomal recessive limb-girdle muscular dystrophy type 2D. Last evaluated: 2025-07-28. Review status: criteria provided, single submitter. Criteria: ACMG Guidelines, 2015. Collection method: clinical testing. Allele origin: germline. Not counted in ClinVar's aggregate classification.

Kariminejad - Najmabadi Pathology & Genetics Center
Classification: Likely pathogenic for Autosomal recessive limb-girdle muscular dystrophy type 2D. Last evaluated: 2024-06-02. Review status: criteria provided, single submitter. Criteria: ACMG Guidelines, 2015. Collection method: clinical testing. Allele origin: germline. Inheritance: Autosomal recessive inheritance. Affected: yes. Not counted in ClinVar's aggregate classification.
Comment: PP2,PM2,PP5,PM1,PP3

GeneDx
Classification: Uncertain significance. Last evaluated: 2023-05-19. Review status: criteria provided, single submitter. Criteria: GeneDx Variant Classification Process June 2021. Collection method: clinical testing. Allele origin: germline. Affected: yes. Not counted in ClinVar's aggregate classification.
Comment: Not observed at significant frequency in large population cohorts (gnomAD); In silico analysis supports that this missense variant does not alter protein structure/function; Has not been previously published as pathogenic or benign to our knowledge; This variant is associated with the following publications: (PMID: 19781108)

Kariminejad - Najmabadi Pathology & Genetics Center
Classification: Likely pathogenic for Abnormality of the musculature. Last evaluated: 2021-07-10. Review status: criteria provided, single submitter. Criteria: ACMG Guidelines, 2015. Collection method: clinical testing. Allele origin: germline. Affected: yes. Not counted in ClinVar's aggregate classification.

Broad Center for Mendelian Genomics, Broad Institute of MIT and Harvard
Classification: Uncertain significance for Autosomal recessive limb-girdle muscular dystrophy type 2D. Last evaluated: 2018-12-03. Review status: criteria provided, single submitter. Criteria: ACMG Guidelines, 2015. Collection method: research. Allele origin: germline. Inheritance: Autosomal recessive inheritance. Affected: yes. Not counted in ClinVar's aggregate classification.
Comment: This variant was absent from large population studies. Computational prediction tools and conservation analyses do not provide strong support for or against an impact to the protein. In summary, the clinical significance of the p.Ser82Arg variant is uncertain. ACMG/AMP Criteria applied: PM2 (Richards 2015).

Literature cited by the submitters: PubMed 38374194 (cited by Labcorp Genetics (formerly Invitae), Labcorp and Women's Health and Genetics/Laboratory Corporation of America, LabCorp); PubMed 39678382 (cited by Women's Health and Genetics/Laboratory Corporation of America, LabCorp).